The following is an entry in ClinVar:

ClinVar aggregate classification (germline): Pathogenic. Review status: criteria provided, multiple submitters, no conflicts (2 of 4 stars). 13 submissions from 13 submitters: Pathogenic (11). 2 of the submissions do not count toward it. Last evaluated 2026-02-26.

Conditions:
TYR-related disorder. Also called: TYR-related condition.
SKIN/HAIR/EYE PIGMENTATION 3, LIGHT/DARK SKIN (SHEP3). Also called: SKIN/HAIR/EYE PIGMENTATION 3, BLUE/GREEN EYE COLOR; SKIN/HAIR/EYE PIGMENTATION 3, FRECKLING; EYE COLOR 1; EYE COLOR, GREEN/BLUE; SKIN/HAIR/EYE PIGMENTATION, VARIATION IN, 3. Identifiers: MedGen C2677190, OMIM 601800.
Oculocutaneous albinism type 1A (OCA1A). Also called: Albinism, oculocutaneous, type IA. Identifiers: Orphanet 352731, Orphanet 79431, MedGen C4551504, MONDO:0008745, OMIM 203100. Disease mechanism: loss of function.
Oculocutaneous albinism type 1B (OCA1B). Also called: ALBINISM, YELLOW MUTANT TYPE; YELLOW ALBINISM; ALBINISM, OCULOCUTANEOUS, TYPE IB. Identifiers: Orphanet 352731, Orphanet 352737, Orphanet 79434, MedGen C1847024, MONDO:0011749, OMIM 606952.

Submissions (13):

PreventionGenetics, part of Exact Sciences
Classification: Pathogenic for TYR-related condition. Last evaluated: 2026-02-26. Review status: criteria provided, single submitter. Criteria: ACMG Guidelines, 2015. Collection method: clinical testing. Allele origin: germline.
Comment: The TYR c.732_733delTG variant is predicted to result in premature protein termination (p.Cys244*). This variant has been reported in the compound heterozygous state in multiple individuals with oculocutaneous albinism (Oetting et al. 1991. PubMed ID: 1905879; Norman et al. 2017. PubMed ID: 28667292; Marti et al. 2017. PubMed ID: 28976636). This variant is present in 0.0054% of alleles in individuals of European (Non-Finnish) descent in gnomAD. Nonsense variants in TYR are an established mechanism of disease. Given all the evidence, we interpret this variant as pathogenic.

Labcorp Genetics (formerly Invitae), Labcorp
Classification: Pathogenic. Last evaluated: 2025-12-22. Review status: criteria provided, single submitter. Criteria: Invitae Variant Classification Sherloc (09022015). Collection method: clinical testing. Allele origin: germline.
Comment: This sequence change creates a premature translational stop signal (p.Cys244*) in the TYR gene. It is expected to result in an absent or disrupted protein product. Loss-of-function variants in TYR are known to be pathogenic (PMID: 23504663). This variant is present in population databases (rs747193559, gnomAD 0.006%). This premature translational stop signal has been observed in individual(s) with clinical features of oculocutaneous albinism (PMID: 28667292, 28771251, 28976636). In at least one individual the data is consistent with being in trans (on the opposite chromosome) from a pathogenic variant. ClinVar contains an entry for this variant (Variation ID: 3787). Algorithms developed to predict the effect of sequence changes on RNA splicing suggest that this variant may disrupt the consensus splice site. For these reasons, this variant has been classified as Pathogenic.

Blueprint Genetics
Classification: Pathogenic for TYR-related disorders. Last evaluated: 2024-10-18. Review status: criteria provided, single submitter. Criteria: ACMG Guidelines, 2015. Collection method: clinical testing. Allele origin: germline. Affected: yes. Observed: 5 variant alleles.

GeneDx
Classification: Pathogenic. Last evaluated: 2024-05-09. Review status: criteria provided, single submitter. Criteria: GeneDx Variant Classification Process June 2021. Collection method: clinical testing. Allele origin: germline. Affected: yes.
Comment: Nonsense variant predicted to result in protein truncation or nonsense mediated decay in a gene for which loss of function is a known mechanism of disease; This variant is associated with the following publications: (PMID: 28771251, 28667292, 28976636, 28451379, 23504663, 1905879)

Baylor Genetics
Classification: Pathogenic for SKIN/HAIR/EYE PIGMENTATION 3, LIGHT/DARK SKIN. Last evaluated: 2024-03-14. Review status: criteria provided, single submitter. Criteria: ACMG Guidelines, 2015. Collection method: clinical testing. Allele origin: unknown.

Fulgent Genetics
Classification: Pathogenic for Oculocutaneous albinism type 1A; SKIN/HAIR/EYE PIGMENTATION 3, LIGHT/DARK SKIN; Oculocutaneous albinism type 1B. Last evaluated: 2024-01-29. Review status: criteria provided, single submitter. Criteria: ACMG Guidelines, 2015. Collection method: clinical testing. Allele origin: germline.

Department of Pathology and Laboratory Medicine, Sinai Health System
Classification: Pathogenic for Oculocutaneous albinism type 1A; Oculocutaneous albinism type 1B. Last evaluated: 2022-01-27. Review status: criteria provided, single submitter. Criteria: ACMG Guidelines, 2015. Collection method: research. Allele origin: germline.

Genome-Nilou Lab
Classification: Pathogenic for Oculocutaneous albinism type 1A. Last evaluated: 2021-07-22. Review status: criteria provided, single submitter. Criteria: ACMG Guidelines, 2015. Collection method: clinical testing. Allele origin: germline. Affected: no.

Revvity Omics, Revvity
Classification: Pathogenic. Last evaluated: 2020-04-09. Review status: criteria provided, single submitter. Criteria: ACMG Guidelines, 2015. Collection method: clinical testing. Allele origin: germline.

CeGaT Center for Human Genetics Tuebingen
Classification: Pathogenic. Last evaluated: 2017-07-01. Review status: criteria provided, single submitter. Criteria: CeGaT Center For Human Genetics Tuebingen Variant Classification Criteria Version 2. Collection method: clinical testing. Allele origin: germline. Affected: yes. Observed: 1 variant allele.

Eurofins Ntd Llc (ga)
Classification: Pathogenic. Last evaluated: 2015-03-12. Review status: criteria provided, single submitter. Criteria: EGL Classification Definitions 2015. Collection method: clinical testing. Allele origin: germline. Observed: 1 variant allele, 1 heterozygote.

OMIM
Classification: Pathogenic for ALBINISM, OCULOCUTANEOUS, TYPE IA. Last evaluated: 1991-07-01. Review status: no assertion criteria provided. Collection method: literature only. Allele origin: germline. Not counted in ClinVar's aggregate classification.

Retina International
No classification provided. Review status: no classification provided. Collection method: not provided. Allele origin: unknown. Not counted in ClinVar's aggregate classification.

Literature cited by the submitters: PubMed 23504663 (cited by Labcorp Genetics (formerly Invitae), Labcorp); PubMed 28667292 (cited by Labcorp Genetics (formerly Invitae), Labcorp); PubMed 28771251 (cited by Labcorp Genetics (formerly Invitae), Labcorp); PubMed 28976636 (cited by Labcorp Genetics (formerly Invitae), Labcorp); PubMed 1905879 (cited by Eurofins Ntd Llc (ga) and OMIM).

NM_000372.5(TYR):c.732_733del (p.Cys244_Asp245delinsTer)

Gene: TYR (tyrosinase; plus strand). Cytogenetic location: 11q14.3.
Variant type: Microsatellite.
Coding change: c.732_733del on transcript NM_000372.5 (MANE Select); coding-DNA positions 732 to 733, 2 bases deleted (TG; older notation c.732_733delTG).
Protein change: p.Cys244_Asp245delinsTer.
Molecular consequence: nonsense.
Genome position (GRCh38, 1-based): chr11:89,178,685-89,178,686, TG deleted; deleting any 2 consecutive bases within chr11:89,178,682-89,178,686 gives the same sequence; the c. name uses the placement nearest the transcript's 3' end. VCF-style (leftmost placement, unchanged base first): chr11-89178681-AGT-A. GRCh37 (hg19) VCF-style: chr11-88911849-AGT-A.
Other names: c.732_733del (NM_000372.4); c.730_731delTG (NM_000372.4).
Identifiers: ClinVar variation 3787 (VCV000003787.66), dbSNP rs61754368, ClinGen allele CA227586.